The following is an entry in ClinVar:

ClinVar aggregate classification (germline): Conflicting classifications of pathogenicity. Review status: criteria provided, conflicting classifications (1 of 4 stars). 2 submissions from 2 submitters: Uncertain significance (1); Likely benign (1). Last evaluated 2025-02-16.

Conditions:
Neuropathy, hereditary sensory and autonomic, type 1C. Also called: HSAN IC; HSN IC. Identifiers: Orphanet 36386, MedGen C3150896, MONDO:0013337, OMIM 613640.

gnomAD v4.1: 1 of 1,614,136 alleles (0.000062%); highest among the groups gnomAD compares: Non-Finnish European, 0.000085%; no homozygotes.

Submissions (2):

Laboratory of Genetics, Children's Clinical University Hospital Latvia
Classification: Likely benign. Last evaluated: 2025-02-16. Review status: criteria provided, single submitter. Criteria: ACMG Guidelines, 2015. Collection method: clinical testing. Allele origin: germline. Affected: yes.

Labcorp Genetics (formerly Invitae), Labcorp
Classification: Uncertain significance for Neuropathy, hereditary sensory and autonomic, type 1C. Last evaluated: 2024-04-30. Review status: criteria provided, single submitter. Criteria: Invitae Variant Classification Sherloc (09022015). Collection method: clinical testing. Allele origin: germline.
Comment: This sequence change replaces isoleucine, which is neutral and non-polar, with valine, which is neutral and non-polar, at codon 166 of the SPTLC2 protein (p.Ile166Val). This variant is present in population databases (no rsID available, gnomAD 0.0009%). This variant has not been reported in the literature in individuals affected with SPTLC2-related conditions. Advanced modeling of protein sequence and biophysical properties (such as structural, functional, and spatial information, amino acid conservation, physicochemical variation, residue mobility, and thermodynamic stability) performed at Invitae indicates that this missense variant is not expected to disrupt SPTLC2 protein function with a negative predictive value of 80%. In summary, the available evidence is currently insufficient to determine the role of this variant in disease. Therefore, it has been classified as a Variant of Uncertain Significance.

NM_004863.4(SPTLC2):c.496A>G (p.Ile166Val)

Gene: SPTLC2 (serine palmitoyltransferase long chain base subunit 2; minus strand). Cytogenetic location: 14q24.3.
Variant type: single nucleotide variant.
Coding change: c.496A>G on transcript NM_004863.4 (MANE Select); coding-DNA position 496, A replaced by G.
Protein change: p.Ile166Val; replaces isoleucine 166 with valine.
Molecular consequence: missense variant.
Genome position (GRCh38, 1-based): chr14:77,576,902, T>C on the plus strand (A>G on the coding strand, the complement: SPTLC2 is on the minus strand). VCF-style: chr14-77576902-T-C. GRCh37 (hg19) VCF-style: chr14-78043245-T-C.
Other names: short protein forms I166V.
Identifiers: ClinVar variation 3711414 (VCV003711414.3).